The following is an entry in ClinVar:

ClinVar aggregate classification (germline): Uncertain significance (1 of 4 stars; one submission).

Conditions:
Kabuki syndrome. Also called: Kabuki make-up syndrome; NIIKAWA-KUROKI SYNDROME. Identifiers: Orphanet 2322, MedGen C0796004, MONDO:0016512.

Allele frequency attached by ClinVar (database versions not stated): gnomAD exomes below 0.00001; TOPMed 0.00001.
gnomAD v4.1: 8 of 1,613,994 alleles (0.0005%); highest among the groups gnomAD compares: African/African-American, 0.0013%; no homozygotes.

Submission:

Labcorp Genetics (formerly Invitae), Labcorp
Classification: Uncertain significance for Kabuki syndrome. Last evaluated: 2025-07-21. Review status: criteria provided, single submitter. Criteria: Invitae Variant Classification Sherloc (09022015). Collection method: clinical testing. Allele origin: germline.
Comment: This sequence change replaces arginine, which is basic and polar, with histidine, which is basic and polar, at codon 5392 of the KMT2D protein (p.Arg5392His). This variant is not present in population databases (gnomAD no frequency). This variant has not been reported in the literature in individuals affected with KMT2D-related conditions. ClinVar contains an entry for this variant (Variation ID: 2415471). Invitae Evidence Modeling of protein sequence and biophysical properties (such as structural, functional, and spatial information, amino acid conservation, physicochemical variation, residue mobility, and thermodynamic stability) indicates that this missense variant is not expected to disrupt KMT2D protein function with a negative predictive value of 95%. In summary, the available evidence is currently insufficient to determine the role of this variant in disease. Therefore, it has been classified as a Variant of Uncertain Significance.

NM_003482.4(KMT2D):c.16175G>A (p.Arg5392His)

Gene: KMT2D (lysine methyltransferase 2D; minus strand). Cytogenetic location: 12q13.12.
Variant type: single nucleotide variant.
Coding change: c.16175G>A on transcript NM_003482.4 (MANE Select); coding-DNA position 16175, G replaced by A.
Protein change: p.Arg5392His; replaces arginine 5392 with histidine.
Molecular consequence: missense variant.
Genome position (GRCh38, 1-based): chr12:49,022,753, C>T on the plus strand (G>A on the coding strand, the complement: KMT2D is on the minus strand). VCF-style: chr12-49022753-C-T. GRCh37 (hg19) VCF-style: chr12-49416536-C-T.
Other names: short protein forms R5392H.
Identifiers: ClinVar variation 2415471 (VCV002415471.5), dbSNP rs1592099456, ClinGen allele CA384678709.